The following is an entry in ClinVar:

NM_001267550.2(TTN):c.52908G>C (p.Glu17636Asp)

Genes: TTN (titin; minus strand), TTN-AS1 (TTN antisense RNA 1; plus strand), LOC126806425 (BRD4-independent group 4 enhancer GRCh37_chr2:179471933-179473132; plus strand). Cytogenetic location: 2q31.2.
Variant type: single nucleotide variant.
Coding change: c.52908G>C on transcript NM_001267550.2 (MANE Select); coding-DNA position 52908, G replaced by C.
Protein change: p.Glu17636Asp; replaces glutamic acid 17636 with aspartic acid.
Molecular consequence: missense variant.
Genome position (GRCh38, 1-based): chr2:178,607,879, C>G on the plus strand (G>C on the coding strand, the complement: TTN is on the minus strand). VCF-style: chr2-178607879-C-G. GRCh37 (hg19) VCF-style: chr2-179472606-C-G.
Other names: c.47985G>C, p.Glu15995Asp (NM_001256850.1); c.25713G>C, p.Glu8571Asp (NM_003319.4); c.45204G>C, p.Glu15068Asp (NM_133378.4); c.26088G>C, p.Glu8696Asp (NM_133432.3); c.26289G>C, p.Glu8763Asp (NM_133437.4); short protein forms E15068D, E17636D, E8696D, E8571D, E15995D, E8763D.
Identifiers: ClinVar variation 596012 (VCV000596012.21), dbSNP rs748175453, ClinGen allele CA1993906.

ClinVar aggregate classification (germline): Conflicting classifications of pathogenicity. Review status: criteria provided, conflicting classifications (1 of 4 stars). 9 submissions from 5 submitters: Uncertain significance (5); Benign (2); Likely benign (2). Last evaluated 2025-12-15.

Conditions:
Dilated cardiomyopathy 1G (CMD1G). Identifiers: Orphanet 154, MedGen C1858763, MONDO:0011400, OMIM 604145.
Autosomal recessive limb-girdle muscular dystrophy type 2J (LGMDR10). Also called: Limb-girdle muscular dystrophy, type 2J; MUSCULAR DYSTROPHY, LIMB-GIRDLE, AUTOSOMAL RECESSIVE 10. Identifiers: Orphanet 140922, MedGen C1837342, MONDO:0012127, OMIM 608807.
Tibial muscular dystrophy (TMD). Also called: Tibial muscular dystrophy, tardive; Udd Distal Myopathy – Tibial Muscular Dystrophy; UDD MYOPATHY. Identifiers: Orphanet 609, MedGen C1838244, MONDO:0010870, OMIM 600334.
Myopathy, myofibrillar, 9, with early respiratory failure (MFM9). Also called: Hereditary myopathy with early respiratory failure; Myopathy, distal, with early respiratory failure, autosomal dominant; EDSTROM MYOPATHY; MYOPATHY, PROXIMAL, WITH EARLY RESPIRATORY MUSCLE INVOLVEMENT. Identifiers: Orphanet 178464, Orphanet 34521, MedGen C1863599, MONDO:0011362, OMIM 603689.
Early-onset myopathy with fatal cardiomyopathy (CMYO5). Also called: CONGENITAL MYOPATHY 5 WITH CARDIOMYOPATHY; Salih Myopathy. Identifiers: Orphanet 289377, MedGen C2673677, MONDO:0012714, OMIM 611705. Disease mechanism: loss of function.

Allele frequency attached by ClinVar (database versions not stated): TOPMed 0.00003; gnomAD 0.00004 and 0.00005; ExAC 0.00006; gnomAD exomes 0.00008; 1000 Genomes Project 30x 0.00016.
gnomAD v4.1: 32 of 1,613,030 alleles (0.002%); highest among the groups gnomAD compares: East Asian, 0.067%; no homozygotes.

Submissions (9):

Labcorp Genetics (formerly Invitae), Labcorp
Classification: Likely benign for Dilated cardiomyopathy 1G; Autosomal recessive limb-girdle muscular dystrophy type 2J. Last evaluated: 2025-12-15. Review status: criteria provided, single submitter. Criteria: Invitae Variant Classification Sherloc (09022015). Collection method: clinical testing. Allele origin: germline.

Revvity Omics, Revvity
Classification: Uncertain significance. Last evaluated: 2024-12-24. Review status: criteria provided, single submitter. Criteria: ACMG Guidelines, 2015. Collection method: clinical testing. Allele origin: germline.

Blueprint Genetics
Classification: Likely benign. Last evaluated: 2023-03-31. Review status: criteria provided, single submitter. Criteria: ACMG Guidelines, 2015. Collection method: clinical testing. Allele origin: germline.

Eurofins Ntd Llc (ga)
Classification: Uncertain significance. Last evaluated: 2018-02-13. Review status: criteria provided, single submitter. Criteria: EGL ClinVar v180209 classification definitions. Collection method: clinical testing. Allele origin: germline. Observed: 1 variant allele, 1 heterozygote.

Illumina Laboratory Services, Illumina
Classification: Benign for Myopathy, myofibrillar, 9, with early respiratory failure. Last evaluated: 2018-01-12. Review status: criteria provided, single submitter. Criteria: ICSL Variant Classification Criteria 13 December 2019. Collection method: clinical testing. Allele origin: germline.
Comment: This variant was observed in the ICSL laboratory as part of a predisposition screen in an ostensibly healthy population. It had not been previously curated by ICSL or reported in the Human Gene Mutation Database (HGMD: prior to June 1st, 2018), and was therefore a candidate for classification through an automated scoring system. Utilizing variant allele frequency, disease prevalence and penetrance estimates, and inheritance mode, an automated score was calculated to assess if this variant is too frequent to cause the disease. Based on the score and internal cut-off values, a variant classified as benign is not then subjected to further curation. The score for this variant resulted in a classification of benign for this disease.

Illumina Laboratory Services, Illumina
Classification: Uncertain significance for Early-onset myopathy with fatal cardiomyopathy. Last evaluated: 2018-01-12. Review status: criteria provided, single submitter. Criteria: ICSL Variant Classification Criteria 13 December 2019. Collection method: clinical testing. Allele origin: germline.

Illumina Laboratory Services, Illumina
Classification: Benign for Tibial muscular dystrophy. Last evaluated: 2018-01-12. Review status: criteria provided, single submitter. Criteria: ICSL Variant Classification Criteria 13 December 2019. Collection method: clinical testing. Allele origin: germline.
Comment: the same text as in the submission from Illumina Laboratory Services, Illumina above.

Illumina Laboratory Services, Illumina
Classification: Uncertain significance for Autosomal recessive limb-girdle muscular dystrophy type 2J. Last evaluated: 2018-01-12. Review status: criteria provided, single submitter. Criteria: ICSL Variant Classification Criteria 13 December 2019. Collection method: clinical testing. Allele origin: germline.

Illumina Laboratory Services, Illumina
Classification: Uncertain significance for Dilated cardiomyopathy 1G. Last evaluated: 2018-01-12. Review status: criteria provided, single submitter. Criteria: ICSL Variant Classification Criteria 13 December 2019. Collection method: clinical testing. Allele origin: germline.